The following is an entry in ClinVar:

ClinVar aggregate classification (germline): Conflicting classifications of pathogenicity. Review status: criteria provided, conflicting classifications (1 of 4 stars). 3 submissions from 3 submitters: Likely pathogenic (1); Uncertain significance (2). Last evaluated 2024-11-25.

Conditions:
Peutz-Jeghers syndrome (PJS). Also called: Peutz-Jeghers polyposis; Periorificial lentiginosis syndrome; POLYPOSIS, HAMARTOMATOUS INTESTINAL; POLYPS-AND-SPOTS SYNDROME. Identifiers: Orphanet 2869, MedGen C0031269, MeSH D010580, MONDO:0008280, OMIM 175200.
Hereditary cancer-predisposing syndrome. Also called: Tumor predisposition; Neoplastic Syndromes, Hereditary; Hereditary Cancer Syndrome; Hereditary neoplastic syndrome. Identifiers: Orphanet 140162, MedGen C0027672, MeSH D009386, MONDO:0015356.

Submissions (3):

Ambry Genetics
Classification: Likely pathogenic for Hereditary cancer-predisposing syndrome. Last evaluated: 2024-11-25. Review status: criteria provided, single submitter. Criteria: Ambry Variant Classification Scheme 2023. Collection method: clinical testing. Allele origin: germline.
Comment: The c.740_742delACA variant (also known as p.N247del) is located in coding exon 6 of the STK11 gene. This variant results from an in-frame ACA deletion at nucleotide positions 740 to 742. This results in the in-frame deletion of an asparagine at codon 247. This alteration has been observed in at least one individual with a personal and/or family history that is consistent with STK11-related disease (Ambry internal data). Based on internal structural analysis, N247del is more disruptive to the STK11 kinase domain than a nearby pathogenic variant (Ambry internal data). This variant is considered to be rare based on population cohorts in the Genome Aggregation Database (gnomAD). This amino acid position is highly conserved in available vertebrate species. In addition, this alteration is predicted to be deleterious by in silico analysis (Choi Y et al. PLoS ONE. 2012; 7(10):e46688). Based on the majority of available evidence to date, this variant is likely to be pathogenic.

Labcorp Genetics (formerly Invitae), Labcorp
Classification: Uncertain significance for Peutz-Jeghers syndrome. Last evaluated: 2024-05-27. Review status: criteria provided, single submitter. Criteria: Invitae Variant Classification Sherloc (09022015). Collection method: clinical testing. Allele origin: germline.
Comment: This variant, c.740_742del, results in the deletion of 1 amino acid(s) of the STK11 protein (p.Asn247del), but otherwise preserves the integrity of the reading frame. This variant is not present in population databases (gnomAD no frequency). This variant has been observed in individual(s) with Peutz-Jeghers syndrome (PMID: 9760200). ClinVar contains an entry for this variant (Variation ID: 2586599). Experimental studies and prediction algorithms are not available or were not evaluated, and the functional significance of this variant is currently unknown. In summary, the available evidence is currently insufficient to determine the role of this variant in disease. Therefore, it has been classified as a Variant of Uncertain Significance.

Color Diagnostics, LLC DBA Color Health
Classification: Uncertain significance for Hereditary cancer-predisposing syndrome. Last evaluated: 2022-10-10. Review status: criteria provided, single submitter. Criteria: ACMG Guidelines, 2015. Collection method: clinical testing. Allele origin: germline.
Comment: This variant causes an in-frame deletion of single amino acid in the STK11 protein. To our knowledge, functional studies have not been reported for this variant. This variant has not been reported in individuals affected with hereditary cancer in the literature. This variant has not been identified in the general population by the Genome Aggregation Database (gnomAD). The available evidence is insufficient to determine the role of this variant in disease conclusively. Therefore, this variant is classified as a Variant of Uncertain Significance.

Literature cited by the submitters: PubMed 9760200 (cited by Labcorp Genetics (formerly Invitae), Labcorp).

NM_000455.5(STK11):c.737ACA[1] (p.Asn247del)

Gene: STK11 (serine/threonine kinase 11; plus strand). Cytogenetic location: 19p13.3.
Variant type: Microsatellite.
Coding change: c.737ACA[1] on transcript NM_000455.5 (MANE Select); one copy of the 3-base unit ACA starting at c.737; the reference has two copies in a row; one copy, 3 bases deleted; also written c.740_742del.
Protein change: p.Asn247del; deletes asparagine 247.
Molecular consequence: inframe deletion. On other transcripts: inframe indel (2), non-coding transcript variant (1).
Genome position (GRCh38, 1-based): chr19:1,221,218-1,221,220, ACA deleted; deleting any 3 consecutive bases within chr19:1,221,215-1,221,220 gives the same sequence; the position shown is the placement nearest the transcript's 3' end. VCF-style (leftmost placement, unchanged base first): chr19-1221214-TACA-T. GRCh37 (hg19) VCF-style: chr19-1221213-TACA-T.
Other names: c.740_742del (NM_000455.5); c.740_742delACA (NM_000455.4); c.737_739ACA[1], p.Asn247del (NM_000455.4); c.737ACA[1], p.Asn247del (NM_001407255.1); short protein forms N247del.
Identifiers: ClinVar variation 2586599 (VCV002586599.7), dbSNP rs2145426726, ClinGen allele CA2582342347.
Genomic context (GRCh38, chr19:1,221,214, plus strand): 5'-TCCTAGGGCGTCAACCACCTTGACTGACCACGCCTTTCTTCCCTCCCCTCGAAATGAAGC[TACA>T]ACATCACCACGGGTCTGTACCCCTTCGAAGGGGACAACATCTACAAGTTGTTTGAGAACA-3'